The following is an entry in ClinVar:

ClinVar aggregate classification (germline): Benign/Likely benign. Review status: criteria provided, multiple submitters, no conflicts (2 of 4 stars). 2 submissions from 2 submitters: Benign (1); Likely benign (1). Last evaluated 2025-07-29.

Allele frequency attached by ClinVar (database versions not stated): TOPMed 0.00002; gnomAD 0.00020; gnomAD exomes 0.00033 and 0.00064; ExAC 0.00095; 1000 Genomes Project 0.00120; 1000 Genomes Project 30x 0.00156.
gnomAD v4.1: 524 of 1,611,212 alleles (0.033%); highest among the groups gnomAD compares: South Asian, 0.54%; 6 homozygotes.

Submissions (2):

Labcorp Genetics (formerly Invitae), Labcorp
Classification: Benign. Last evaluated: 2025-07-29. Review status: criteria provided, single submitter. Criteria: Invitae Variant Classification Sherloc (09022015). Collection method: clinical testing. Allele origin: germline.

GeneDx
Classification: Likely benign. Last evaluated: 2021-04-26. Review status: criteria provided, single submitter. Criteria: GeneDx Variant Classification Process June 2021. Collection method: clinical testing. Allele origin: germline. Affected: yes.
Comment: See Variant Classification Assertion Criteria.

NM_001378452.1(ITPR1):c.3610G>A (p.Val1204Met)

Gene: ITPR1 (inositol 1,4,5-trisphosphate receptor type 1; plus strand). Cytogenetic location: 3p26.1.
Variant type: single nucleotide variant.
Coding change: c.3610G>A on transcript NM_001378452.1 (MANE Select); coding-DNA position 3610, G replaced by A.
Protein change: p.Val1204Met; replaces valine 1204 with methionine.
Molecular consequence: missense variant.
Genome position (GRCh38, 1-based): chr3:4,685,114, G>A. VCF-style: chr3-4685114-G-A. GRCh37 (hg19) VCF-style: chr3-4726798-G-A.
Other names: c.3583G>A, p.Val1195Met (NM_001099952.4); c.3565G>A, p.Val1189Met (NM_001168272.2); c.3538G>A, p.Val1180Met (NM_002222.7); short protein forms V1180M, V1189M, V1195M, V1204M.
Identifiers: ClinVar variation 1678869 (VCV001678869.7), dbSNP rs547074301, ClinGen allele CA2231754.
Genomic context (GRCh38, chr3:4,685,114, plus strand): 5'-CTTTCATTCTACTAGATTTTGATTCGGCTTAGCAAACTCTGTGTTCAAGAGAGTGCCTCA[G>A]TGAGAAAGAGCAGGAAGCAGCAACAGCGTCTGCTCCGGAACATGGGCGCGCACGCCGTGG-3'
Protein context (NP_001365381.1, residues 1194-1214): SKLCVQESAS[Val1204Met]RKSRKQQQRL